The following is an entry in ClinVar:

ClinVar aggregate classification (germline): Uncertain significance (1 of 4 stars; one submission).

Allele frequency attached by ClinVar (database versions not stated): TOPMed 0.00001.

Submission:

Labcorp Genetics (formerly Invitae), Labcorp
Classification: Uncertain significance. Last evaluated: 2023-10-17. Review status: criteria provided, single submitter. Criteria: Invitae Variant Classification Sherloc (09022015). Collection method: clinical testing. Allele origin: germline.
Comment: This sequence change replaces proline, which is neutral and non-polar, with serine, which is neutral and polar, at codon 1011 of the ITPR1 protein (p.Pro1011Ser). This variant is not present in population databases (gnomAD no frequency). This variant has not been reported in the literature in individuals affected with ITPR1-related conditions. Advanced modeling of protein sequence and biophysical properties (such as structural, functional, and spatial information, amino acid conservation, physicochemical variation, residue mobility, and thermodynamic stability) performed at Invitae indicates that this missense variant is not expected to disrupt ITPR1 protein function. In summary, the available evidence is currently insufficient to determine the role of this variant in disease. Therefore, it has been classified as a Variant of Uncertain Significance.

NM_001378452.1(ITPR1):c.3103C>T (p.Pro1035Ser)

Gene: ITPR1 (inositol 1,4,5-trisphosphate receptor type 1; plus strand). Cytogenetic location: 3p26.1.
Variant type: single nucleotide variant.
Coding change: c.3103C>T on transcript NM_001378452.1 (MANE Select); coding-DNA position 3103, C replaced by T.
Protein change: p.Pro1035Ser; replaces proline 1035 with serine.
Molecular consequence: missense variant.
Genome position (GRCh38, 1-based): chr3:4,680,688, C>T. VCF-style: chr3-4680688-C-T. GRCh37 (hg19) VCF-style: chr3-4722372-C-T.
Other names: c.3076C>T, p.Pro1026Ser (NM_001099952.4); c.3058C>T, p.Pro1020Ser (NM_001168272.2); c.3031C>T, p.Pro1011Ser (NM_002222.7); short protein forms P1020S, P1011S, P1026S, P1035S.
Identifiers: ClinVar variation 2800759 (VCV002800759.3), dbSNP rs1458742690, ClinGen allele CA351650329.